The following is an entry in ClinVar:

NM_174936.4(PCSK9):c.1961_1964dup (p.Val656fs)

Gene: PCSK9 (proprotein convertase subtilisin/kexin type 9; plus strand). Cytogenetic location: 1p32.3.
Variant type: Microsatellite.
Coding change: c.1961_1964dup on transcript NM_174936.4 (MANE Select); coding-DNA positions 1961 to 1964, 4 bases duplicated (GTGT; older notation c.1961_1964dupGTGT).
Protein change: p.Val656fs; shifts the reading frame from valine 656.
Molecular consequence: frameshift variant. On other transcripts: non-coding transcript variant (8).
Genome position (GRCh38, 1-based): chr1:55,063,466-55,063,469, GTGT duplicated; duplicating any 4 consecutive bases within chr1:55,063,464-55,063,469 gives the same sequence; the c. name uses the placement nearest the transcript's 3' end. VCF-style (leftmost placement, unchanged base first): chr1-55063463-C-CGTGT. GRCh37 (hg19) VCF-style: chr1-55529136-C-CGTGT.
Other names: c.2084_2087dup, p.Val697fs (NM_001407240.1); c.2003_2006dup, p.Val670fs (NM_001407241.1); c.1964_1967dup, p.Val657fs (NM_001407242.1); c.1904_1907dup, p.Val637fs (NM_001407243.1); c.1787_1790dup, p.Val598fs (NM_001407244.1); c.1769_1772dup, p.Val592fs (NM_001407245.1); c.1586_1589dup, p.Val531fs (NM_001407246.1); c.1460_1463dup, p.Val489fs (NM_001407247.1); short protein forms V489fs, V531fs, V592fs, V598fs, V637fs, V656fs, V657fs, V670fs.
Identifiers: ClinVar variation 3072800 (VCV003072800.1), dbSNP rs2523286626, ClinGen allele CA2645840437.

ClinVar aggregate classification (germline): Likely benign (1 of 4 stars; one submission).

Conditions:
Hypercholesterolemia, autosomal dominant, 3 (FHCL3). Also called: Familial Hypercholesterolemia, Autosomal Dominant, 3; PCSK9-Related Familial Hypercholesterolemia, Autosomal Dominant; Familial hypercholesterolemia 3. Identifiers: MedGen C1863551, MONDO:0011369, OMIM 603776.

Submission:

All of Us Research Program, National Institutes of Health
Classification: Likely benign for Hypercholesterolemia, autosomal dominant, 3. Last evaluated: 2023-08-15. Review status: criteria provided, single submitter. Criteria: ACMG Guidelines, 2015. Collection method: clinical testing. Allele origin: germline. Inheritance: Autosomal dominant inheritance. Observed: 1 variant allele, 1 heterozygote.
Comment: This study involves interpretation of variants in research participants for the purpose of population health screening. Participant phenotype was not available at the time of variant classification. Additional details can be found in publication PMID: 35346344, PMCID: PMC8962531